The following is an entry in ClinVar:

ClinVar aggregate classification (germline): Pathogenic (1 of 4 stars; one submission).

Conditions:
Retinoblastoma (RB1). Also called: RETINOBLASTOMA, SOMATIC. Identifiers: Orphanet 790, MedGen C0035335, MeSH D012175, MONDO:0008380, OMIM 180200, HP:0009919. Disease mechanism: loss of function. Inheritance: Both sporadic and heritable forms are tested..

Submission:

Labcorp Genetics (formerly Invitae), Labcorp
Classification: Pathogenic for Retinoblastoma. Last evaluated: 2022-08-31. Review status: criteria provided, single submitter. Criteria: Invitae Variant Classification Sherloc (09022015). Collection method: clinical testing. Allele origin: germline.
Comment: This variant is not present in population databases (gnomAD no frequency). This sequence change inserts a large fragment of DNA, likely a transposable element, in exon 13 of the RB1 gene (c.1278_1279ins?), causing a frameshift at codon 427 (p.Lys427fs). The exact size and sequence of the insertion cannot be determined by the current assay. However, the insertion is expected to result in an absent or disrupted protein product. For these reasons, this variant has been classified as Pathogenic. Retrotransposon insertions including LINE1 (L1), Alu, and SVA (SINE-VNTR-Alu) have been reported to be disease-causing through disruption of either a coding region or splice site (PMID: 19763152, 20307669, 22406018) and loss-of-function variants in RB1 are known to be pathogenic (PMID: 17096365). Algorithms developed to predict the effect of sequence changes on RNA splicing suggest that this variant may disrupt the consensus splice site. This variant has not been reported in the literature in individuals affected with RB1-related conditions.

Literature cited by the submitters: PubMed 19763152; PubMed 20307669; PubMed 22406018; PubMed 17096365.

NM_000321.3(RB1):c.1278_1279insTTTTTTTTTTTTTTTTTTTTNNNNNNNNNNGCGGCGGGGCCGGCGGAAGAAGGCGGTGGCGGGGCCCTGCCCCGCTCCGGCTGTGGCGCGGCCCGCGCCCGTTCCAGGATACATCTTT (p.Lys427delinsPhePhePhePhePhePheXaaXaaXaaXaaAlaAlaGlyProAlaGluGluGlyGlyGlyGlyAlaLeuProArgSerGlyCysGlyAlaAlaArgAlaArgSerArgIleHisLeuTer)

Gene: RB1 (RB transcriptional corepressor 1; plus strand). Cytogenetic location: 13q14.2.
Variant type: Insertion.
Coding change: c.1278_1279insTTTTTTTTTTTTTTTTTTTTNNNNNNNNNNGCGGCGGGGCCGGCGGAAGAAGGCGGTGGCGGGGCCCTGCCCCGCTCCGGCTGTGGCGCGGCCCGCGCCCGTTCCAGGATACATCTTT on transcript NM_000321.3 (MANE Select); coding-DNA positions 1278 to 1279, TTTTTTTTTTTTTTTTTTTTNNNNNNNNNNGCGGCGGGGCCGGCGGAAGAAGGCGGTGGCGGGGCCCTGCCCCGCTCCGGCTGTGGCGCGGCCCGCGCCCGTTCCAGGATACATCTTT inserted.
Protein change: p.Lys427delinsPhePhePhePhePhePheXaaXaaXaaXaaAlaAlaGlyProAlaGluGluGlyGlyGlyGlyAlaLeuProArgSerGlyCysGlyAlaAlaArgAlaArgSerArgIleHisLeuTer.
Molecular consequence: nonsense. On other transcripts: frameshift variant (2).
Genome position: GRCh38: chr13:48,376,980-48,376,981. GRCh37 (hg19): chr13:48,951,116-48,951,117.
Other names: c.1278_1279insTTTTTTTTTTTTTTTTTTTTNNNNNNNNNNGCGGCGGGGCCGGCGGAAGAAGGCGGTGGCGGGGCCCTGCCCCGCTCCGGCTGTGGCGCGGCCCGCGCCCGTTCCAGGATACATCTTT, p.Lys427Phefs (NM_001407165.1, NM_001407166.1).
Identifiers: ClinVar variation 2028295 (VCV002028295.4), dbSNP rs2542198970.